The following is an entry in ClinVar:

ClinVar aggregate classification (germline): Likely benign (1 of 4 stars; one submission).

Allele frequency attached by ClinVar (database versions not stated): 1000 Genomes Project 0.00140; 1000 Genomes Project 30x 0.00141; ESP Exome Variant Server 0.00308.
gnomAD v4.1: 5,973 of 1,613,964 alleles (0.37%); highest among the groups gnomAD compares: Middle Eastern, 0.59%; 12 homozygotes.

Submission:

CeGaT Center for Human Genetics Tuebingen
Classification: Likely benign. Last evaluated: 2023-07-01. Review status: criteria provided, single submitter. Criteria: CeGaT Center For Human Genetics Tuebingen Variant Classification Criteria Version 2. Collection method: clinical testing. Allele origin: germline. Affected: yes. Observed: 2 variant alleles.
Comment: HENMT1: BP4, BP7

NM_001102592.2(HENMT1):c.630C>T (p.Val210=)

Gene: HENMT1 (HEN methyltransferase 1; minus strand). Cytogenetic location: 1p13.3.
Variant type: single nucleotide variant.
Coding change: c.630C>T on transcript NM_001102592.2 (MANE Select); coding-DNA position 630, C replaced by T.
Protein change: p.Val210=; no amino-acid change (valine 210 retained).
Molecular consequence: synonymous variant.
Genome position (GRCh38, 1-based): chr1:108,650,337, G>A on the plus strand (C>T on the coding strand, the complement: HENMT1 is on the minus strand). VCF-style: chr1-108650337-G-A. GRCh37 (hg19) VCF-style: chr1-109192959-G-A.
Other names: c.630C>T, p.Val210= (NM_144584.3).
Identifiers: ClinVar variation 2638963 (VCV002638963.24), dbSNP rs142977292, ClinGen allele CA980173.